The following is an entry in ClinVar:

NM_006648.4(WNK2):c.2714A>G (p.Gln905Arg)

Gene: WNK2 (WNK lysine deficient protein kinase 2; plus strand). Cytogenetic location: 9q22.31.
Variant type: single nucleotide variant.
Coding change: c.2714A>G on transcript NM_006648.4 (MANE Select); coding-DNA position 2714, A replaced by G.
Protein change: p.Gln905Arg; replaces glutamine 905 with arginine.
Molecular consequence: missense variant.
Genome position (GRCh38, 1-based): chr9:93,259,262, A>G. VCF-style: chr9-93259262-A-G. GRCh37 (hg19) VCF-style: chr9-96021544-A-G.
Other names: c.2714A>G, p.Gln905Arg (NM_001282394.3); short protein forms Q905R.
Identifiers: ClinVar variation 3817288 (VCV003817288.2).

ClinVar aggregate classification (germline): Uncertain significance (1 of 4 stars; one submission).

Submission:

Ambry Genetics
Classification: Uncertain significance. Last evaluated: 2026-06-12. Review status: criteria provided, single submitter. Criteria: Ambry Variant Classification Scheme 2023. Collection method: clinical testing. Allele origin: germline.
Comment: The p.Q905R variant (also known as c.2714A>G), located in coding exon 11 of the WNK2 gene, results from an A to G substitution at nucleotide position 2714. The glutamine at codon 905 is replaced by arginine, an amino acid with highly similar properties. This amino acid position is conserved. In addition, the in silico prediction for this alteration is inconclusive. Based on the available evidence, the clinical significance of this variant remains unclear.